The following is an entry in ClinVar:

ClinVar aggregate classification (germline): Likely benign. Review status: criteria provided, multiple submitters, no conflicts (2 of 4 stars). 3 submissions from 3 submitters: Likely benign (3). Last evaluated 2025-05-01.

gnomAD v4.1: 8 of 1,205,608 alleles (0.00066%); highest among the groups gnomAD compares: East Asian, 0.003%; no homozygotes.

Submissions (3):

CeGaT Center for Human Genetics Tuebingen
Classification: Likely benign. Last evaluated: 2025-05-01. Review status: criteria provided, single submitter. Criteria: CeGaT Center For Human Genetics Tuebingen Variant Classification Criteria Version 2. Collection method: clinical testing. Allele origin: germline. Affected: yes. Observed: 1 variant allele.
Comment: HUWE1: BP4, BP7

Blueprint Genetics
Classification: Likely benign. Last evaluated: 2022-04-29. Review status: criteria provided, single submitter. Criteria: ACMG Guidelines, 2015. Collection method: clinical testing. Allele origin: germline.

Labcorp Genetics (formerly Invitae), Labcorp
Classification: Likely benign. Last evaluated: 2018-03-29. Review status: criteria provided, single submitter. Criteria: Invitae Variant Classification Sherloc (09022015). Collection method: clinical testing. Allele origin: germline.

NM_031407.7(HUWE1):c.171G>T (p.Leu57=)

Gene: HUWE1 (HECT, UBA and WWE domain containing E3 ubiquitin protein ligase 1; minus strand). Cytogenetic location: Xp11.22.
Variant type: single nucleotide variant.
Coding change: c.171G>T on transcript NM_031407.7 (MANE Select); coding-DNA position 171, G replaced by T.
Protein change: p.Leu57=; no amino-acid change (leucine 57 retained).
Molecular consequence: synonymous variant.
Genome position (GRCh38, 1-based): chrX:53,647,548, C>A on the plus strand (G>T on the coding strand, the complement: HUWE1 is on the minus strand). VCF-style: chrX-53647548-C-A. GRCh37 (hg19) VCF-style: chrX-53674491-C-A.
Identifiers: ClinVar variation 740155 (VCV000740155.14), dbSNP rs982748296, ClinGen allele CA329196650.